The following is an entry in ClinVar:

ClinVar aggregate classification (germline): Uncertain significance. Review status: criteria provided, multiple submitters, no conflicts (2 of 4 stars). 2 submissions from 2 submitters: Uncertain significance (2). Last evaluated 2025-10-11.

Conditions:
Cryopyrin associated periodic syndrome (CAPS). Identifiers: Orphanet 208650, MedGen C2316212, MONDO:0016168.

Allele frequency attached by ClinVar (database versions not stated): TOPMed below 0.00001.

Submissions (2):

GeneDx
Classification: Uncertain significance. Last evaluated: 2025-10-11. Review status: criteria provided, single submitter. Criteria: GeneDx Variant Classification Process June 2021. Collection method: clinical testing. Allele origin: germline. Affected: yes.
Comment: Not observed at significant frequency in large population cohorts (gnomAD); In silico analysis supports that this missense variant has a deleterious effect on protein structure/function; Has not been previously published as pathogenic or benign in association with an NLRP3-related disorder to our knowledge; Also known as p.(D486N); This variant is associated with the following publications: (PMID: 39930093, 19302049)

Labcorp Genetics (formerly Invitae), Labcorp
Classification: Uncertain significance for Cryopyrin associated periodic syndrome. Last evaluated: 2025-01-26. Review status: criteria provided, single submitter. Criteria: Invitae Variant Classification Sherloc (09022015). Collection method: clinical testing. Allele origin: germline.
Comment: This sequence change replaces aspartic acid, which is acidic and polar, with asparagine, which is neutral and polar, at codon 488 of the NLRP3 protein (p.Asp488Asn). This variant is not present in population databases (gnomAD no frequency). This variant has not been reported in the literature in individuals affected with NLRP3-related conditions. ClinVar contains an entry for this variant (Variation ID: 2007781). Invitae Evidence Modeling of protein sequence and biophysical properties (such as structural, functional, and spatial information, amino acid conservation, physicochemical variation, residue mobility, and thermodynamic stability) indicates that this missense variant is expected to disrupt NLRP3 protein function with a positive predictive value of 80%. In summary, the available evidence is currently insufficient to determine the role of this variant in disease. Therefore, it has been classified as a Variant of Uncertain Significance.

NM_001243133.2(NLRP3):c.1456G>A (p.Asp486Asn)

Gene: NLRP3 (NLR family pyrin domain containing 3; plus strand). Cytogenetic location: 1q44.
Variant type: single nucleotide variant.
Coding change: c.1456G>A on transcript NM_001243133.2 (MANE Select); coding-DNA position 1456, G replaced by A.
Protein change: p.Asp486Asn; replaces aspartic acid 486 with asparagine.
Molecular consequence: missense variant.
Genome position (GRCh38, 1-based): chr1:247,424,905, G>A. VCF-style: chr1-247424905-G-A. GRCh37 (hg19) VCF-style: chr1-247588207-G-A.
Other names: c.1456G>A, p.Asp486Asn (NM_001079821.3, NM_001127461.3, NM_001127462.3 and 1 more transcripts); c.1462G>A, p.Asp488Asn (NM_004895.5); short protein forms D486N, D488N.
Identifiers: ClinVar variation 2007781 (VCV002007781.8), dbSNP rs1662753875, ClinGen allele CA345556926.